The following is an entry in ClinVar:

NM_001378609.3(OTOGL):c.3170del (p.Asp1057fs)

Gene: OTOGL (otogelin like; plus strand). Cytogenetic location: 12q21.31.
Variant type: Deletion.
Coding change: c.3170del on transcript NM_001378609.3 (MANE Select); coding-DNA position 3170, one base deleted (A; older notation c.3170delA).
Protein change: p.Asp1057fs; shifts the reading frame from aspartic acid 1057.
Molecular consequence: frameshift variant.
Genome position (GRCh38, 1-based): chr12:80,302,740, A deleted. VCF-style (leftmost placement, unchanged base first): chr12-80302739-GA-G. GRCh37 (hg19) VCF-style: chr12-80696519-GA-G.
Other names: c.3035del, p.Asp1012fs (NM_001368062.3); c.3170del, p.Asp1057fs (NM_001378610.3, NM_173591.7); c.3170delA (NM_173591.7); short protein forms D1012fs, D1057fs.
Identifiers: ClinVar variation 4845836 (VCV004845836.1).
Genomic context (GRCh38, chr12:80,302,739, plus strand): 5'-TGGAAGGCTGGTTACTATATAGTAGTATACTTTCCAGAGAAAGATATCACTATTCTTTGG[GA>G]TAGGAAGACAACTATTCATATCAAAGTTGGGCCACAGTGGAAGGTAGGTCAACCTAAGCT-3'

ClinVar aggregate classification (germline): Likely pathogenic (1 of 4 stars; one submission).

Conditions:
Autosomal recessive nonsyndromic hearing loss 84B. Also called: Deafness, autosomal recessive 84b. Identifiers: Orphanet 90636, MedGen C3554159, MONDO:0013984, OMIM 614944.

Submission:

First Genomix Gene Laboratory, Genetic Diagnostics Department
Classification: Likely pathogenic for Autosomal recessive nonsyndromic hearing loss 84B. Last evaluated: 2025-03-27. Review status: criteria provided, single submitter. Criteria: ACMG Guidelines, 2015. Collection method: clinical testing. Allele origin: germline. Inheritance: Autosomal recessive inheritance. Affected: no. Observed: 1 variant allele.